The following is an entry in ClinVar:

NC_000017.10:g.1665261_1680827del

Gene: SERPINF1 (serpin family F member 1; plus strand). Cytogenetic location: 17p13.3.
Variant type: Deletion.
Identifiers: ClinVar variation 4849710 (VCV004849710.1).

ClinVar aggregate classification (germline): Pathogenic (1 of 4 stars; one submission).

Conditions:
Osteogenesis imperfecta type 6. Also called: Osteogenesis imperfecta, type VI. Identifiers: Orphanet 666, MedGen C3279564, MONDO:0013515, OMIM 613982.

Submission:

Diagnostics Services (NGS), CSIR - Centre For Cellular And Molecular Biology
Classification: Pathogenic for Osteogenesis imperfecta type 6. Last evaluated: 2026-03-03. Review status: criteria provided, single submitter. Criteria: ACMG Guidelines, 2015. Collection method: clinical testing. Allele origin: germline. Affected: yes. Observed: 1 variant allele, 1 homozygote.
Comment: Homozygous variations in the SERPINF1 gene (MIM*172860) are known to cause osteogenesis imperfecta type VI (MIM#613982). The deletion region is not present in the publicly available population databases (for CNV) like 1000 Genomes. Overlapping bigger and smaller regions are present in gnomAD and DGV. Overlapping bigger deletions in this region have been reported to clinical databases like DECIPHER and ClinVar as 'Pathogenic / Likely Pathogenic / Uncertain Significance' by multiple submitters.